The following is an entry in ClinVar:

NM_015311.3(OBSL1):c.3127C>T (p.Arg1043Cys)

Gene: OBSL1 (obscurin like cytoskeletal adaptor 1; minus strand). Cytogenetic location: 2q35.
Variant type: single nucleotide variant.
Coding change: c.3127C>T on transcript NM_015311.3 (MANE Select); coding-DNA position 3127, C replaced by T.
Protein change: p.Arg1043Cys; replaces arginine 1043 with cysteine.
Molecular consequence: missense variant.
Genome position (GRCh38, 1-based): chr2:219,559,324, G>A on the plus strand (C>T on the coding strand, the complement: OBSL1 is on the minus strand). VCF-style: chr2-219559324-G-A. GRCh37 (hg19) VCF-style: chr2-220424046-G-A.
Other names: c.3127C>T, p.Arg1043Cys (NM_001173431.2); short protein forms R1043C.
Identifiers: ClinVar variation 896127 (VCV000896127.9), dbSNP rs199941785, ClinGen allele CA2130958.

ClinVar aggregate classification (germline): Uncertain significance. Review status: criteria provided, multiple submitters, no conflicts (2 of 4 stars). 3 submissions from 3 submitters: Uncertain significance (3). Last evaluated 2024-01-23.

Conditions:
Inborn genetic diseases. Identifiers: MedGen C0950123, MeSH D030342.
3M syndrome 2. Also called: 3-M Syndrome, OBSL1-Related; THREE M SYNDROME 2. Identifiers: Orphanet 2616, MedGen C2752041, MONDO:0013039, OMIM 612921.

Allele frequency attached by ClinVar (database versions not stated): gnomAD exomes 0.00004 and 0.00009; ExAC 0.00011; gnomAD 0.00025 and 0.00026; TOPMed 0.00030; ESP Exome Variant Server 0.00031; 1000 Genomes Project 0.00120; 1000 Genomes Project 30x 0.00125.
gnomAD v4.1: 105 of 1,613,896 alleles (0.0065%); highest among the groups gnomAD compares: African/African-American, 0.089%; no homozygotes.

Submissions (3):

Ambry Genetics
Classification: Uncertain significance for Inborn genetic diseases. Last evaluated: 2024-01-23. Review status: criteria provided, single submitter. Criteria: Ambry Variant Classification Scheme 2023. Collection method: clinical testing. Allele origin: germline.

Labcorp Genetics (formerly Invitae), Labcorp
Classification: Uncertain significance. Last evaluated: 2022-07-12. Review status: criteria provided, single submitter. Criteria: Invitae Variant Classification Sherloc (09022015). Collection method: clinical testing. Allele origin: germline.
Comment: This sequence change replaces arginine, which is basic and polar, with cysteine, which is neutral and slightly polar, at codon 1043 of the OBSL1 protein (p.Arg1043Cys). This variant is present in population databases (rs199941785, gnomAD 0.09%). This variant has not been reported in the literature in individuals affected with OBSL1-related conditions. ClinVar contains an entry for this variant (Variation ID: 896127). Algorithms developed to predict the effect of missense changes on protein structure and function output the following: SIFT: "Tolerated"; PolyPhen-2: "Benign"; Align-GVGD: "Class C0". The cysteine amino acid residue is found in multiple mammalian species, which suggests that this missense change does not adversely affect protein function. In summary, the available evidence is currently insufficient to determine the role of this variant in disease. Therefore, it has been classified as a Variant of Uncertain Significance.

Illumina Laboratory Services, Illumina
Classification: Uncertain significance for 3M syndrome 2. Last evaluated: 2018-02-12. Review status: criteria provided, single submitter. Criteria: ICSL Variant Classification Criteria 13 December 2019. Collection method: clinical testing. Allele origin: germline.